The following is an entry in ClinVar:

NM_001561.6(TNFRSF9):c.740A>G (p.Glu247Gly)

Gene: TNFRSF9 (TNF receptor superfamily member 9; minus strand). Cytogenetic location: 1p36.23.
Variant type: single nucleotide variant.
Coding change: c.740A>G on transcript NM_001561.6 (MANE Select); coding-DNA position 740, A replaced by G.
Protein change: p.Glu247Gly; replaces glutamic acid 247 with glycine.
Molecular consequence: missense variant.
Genome position (GRCh38, 1-based): chr1:7,920,863, T>C on the plus strand (A>G on the coding strand, the complement: TNFRSF9 is on the minus strand). VCF-style: chr1-7920863-T-C. GRCh37 (hg19) VCF-style: chr1-7980923-T-C.
Other names: c.740A>G (NM_001561.5); short protein forms E247G.
Identifiers: ClinVar variation 2162555 (VCV002162555.3), dbSNP rs759184548, ClinGen allele CA569114.

ClinVar aggregate classification (germline): Uncertain significance. Review status: criteria provided, multiple submitters, no conflicts (2 of 4 stars). 3 submissions from 3 submitters: Uncertain significance (3). Last evaluated 2023-12-18.

Conditions:
Inborn genetic diseases. Identifiers: MedGen C0950123, MeSH D030342.

Allele frequency attached by ClinVar (database versions not stated): gnomAD exomes 0.00005; ExAC 0.00013.
gnomAD v4.1: 70 of 1,613,888 alleles (0.0043%); highest among the groups gnomAD compares: South Asian, 0.063%; no homozygotes.

Submissions (3):

Blueprint Genetics
Classification: Uncertain significance. Last evaluated: 2023-12-18. Review status: criteria provided, single submitter. Criteria: ACMG Guidelines, 2015. Collection method: clinical testing. Allele origin: germline.

Labcorp Genetics (formerly Invitae), Labcorp
Classification: Uncertain significance. Last evaluated: 2022-03-23. Review status: criteria provided, single submitter. Criteria: Invitae Variant Classification Sherloc (09022015). Collection method: clinical testing. Allele origin: germline.
Comment: This sequence change replaces glutamic acid, which is acidic and polar, with glycine, which is neutral and non-polar, at codon 247 of the TNFRSF9 protein (p.Glu247Gly). This variant is present in population databases (rs759184548, gnomAD 0.06%). This variant has not been reported in the literature in individuals affected with TNFRSF9-related conditions. Algorithms developed to predict the effect of missense changes on protein structure and function are either unavailable or do not agree on the potential impact of this missense change (SIFT: "Deleterious"; PolyPhen-2: "Probably Damaging"; Align-GVGD: "Class C0"). In summary, the available evidence is currently insufficient to determine the role of this variant in disease. Therefore, it has been classified as a Variant of Uncertain Significance.

Ambry Genetics
Classification: Uncertain significance for Inborn genetic diseases. Last evaluated: 2021-07-20. Review status: criteria provided, single submitter. Criteria: Ambry Variant Classification Scheme 2023. Collection method: clinical testing. Allele origin: germline.